The following is an entry in ClinVar:

NM_001256071.3(RNF213):c.14841C>T (p.Thr4947=)

Genes: RNF213-AS1 (RNF213 antisense RNA 1; minus strand), RNF213 (ring finger protein 213; plus strand). Cytogenetic location: 17q25.3.
Variant type: single nucleotide variant.
Coding change: c.14841C>T on transcript NM_001256071.3 (MANE Select); coding-DNA position 14841, C replaced by T.
Protein change: p.Thr4947=; no amino-acid change (threonine 4947 retained).
Molecular consequence: synonymous variant.
Genome position (GRCh38, 1-based): chr17:80,386,810, C>T. VCF-style: chr17-80386810-C-T. GRCh37 (hg19) VCF-style: chr17-78360610-C-T.
Other names: p.Thr4947=.
Identifiers: ClinVar variation 730917 (VCV000730917.7), dbSNP rs139685293, ClinGen allele CA8823093.

ClinVar aggregate classification (germline): Benign/Likely benign. Review status: criteria provided, multiple submitters, no conflicts (2 of 4 stars). 3 submissions from 3 submitters: Benign (2); Likely benign (1). Last evaluated 2025-10-03.

Allele frequency attached by ClinVar (database versions not stated): gnomAD exomes 0.00016 and 0.00042; ExAC 0.00050; TOPMed 0.00154; 1000 Genomes Project 0.00100; ESP Exome Variant Server 0.00154; gnomAD 0.00156 and 0.00145; 1000 Genomes Project 30x 0.00078.
gnomAD v4.1: 458 of 1,614,194 alleles (0.028%); highest among the groups gnomAD compares: African/African-American, 0.52%; no homozygotes.

Submissions (3):

Mayo Clinic Laboratories, Mayo Clinic
Classification: Likely benign. Last evaluated: 2025-10-03. Review status: criteria provided, single submitter. Criteria: ACMG Guidelines, 2015. Collection method: clinical testing. Allele origin: germline. Observed: 1 variant allele.
Comment: BS1, BP4, BP7

Labcorp Genetics (formerly Invitae), Labcorp
Classification: Benign. Last evaluated: 2025-10-01. Review status: criteria provided, single submitter. Criteria: Invitae Variant Classification Sherloc (09022015). Collection method: clinical testing. Allele origin: germline.

Breakthrough Genomics
Classification: Benign. Review status: criteria provided, single submitter. Criteria: ACMG Guidelines, 2015. Collection method: not provided. Allele origin: germline. Inheritance: Autosomal dominant inheritance. Affected: yes.